The following is an entry in ClinVar:

NM_004260.4(RECQL4):c.127C>G (p.Arg43Gly)

Genes: RECQL4 (RecQ like helicase 4; minus strand), LOC130001411 (ATAC-STARR-seq lymphoblastoid silent region 19699; plus strand). Cytogenetic location: 8q24.3.
Variant type: single nucleotide variant.
Coding change: c.127C>G on transcript NM_004260.4 (MANE Select); coding-DNA position 127, C replaced by G.
Protein change: p.Arg43Gly; replaces arginine 43 with glycine.
Molecular consequence: missense variant. On other transcripts: 5 prime UTR variant (16), non-coding transcript variant (3), intron variant (2).
Genome position (GRCh38, 1-based): chr8:144,517,500, G>C on the plus strand (C>G on the coding strand, the complement: RECQL4 is on the minus strand). VCF-style: chr8-144517500-G-C. GRCh37 (hg19) VCF-style: chr8-145742884-G-C.
Other names: c.127C>G, p.Arg43Gly (NM_001413017.1, NM_001413018.1, NM_001413019.1 and 5 more transcripts); c.-594C>G (NM_001413021.1); c.-945C>G (NM_001413022.1, NM_001413023.1, NM_001413037.1 and 2 more transcripts); c.-842C>G (NM_001413024.1, NM_001413035.1); c.-1007C>G (NM_001413027.1, NM_001413030.1, NM_001413031.1 and 1 more transcripts); c.-670C>G (NM_001413028.1); c.-904C>G (NM_001413032.1); c.-849C>G (NM_001413034.1); and 3 more; short protein forms R43G.
Identifiers: ClinVar variation 3788034 (VCV003788034.1).
Genomic context (GRCh38, chr8:144,517,500, plus strand): 5'-CGGAGCTGCGGAGCCCGCCGCCGGCCTGGCCCGTGGTACGCTTCAGAGTGCGGTATTCCC[G>C]GTAGAGCGCTGCGTGGGCGAGCGGGAGGCGGGGTCAGGGTGGGGCCTGGGCCCCTGCCGA-3'
Protein context (NP_004251.4, residues 33-53): AAPEETRALY[Arg43Gly]EYRTLKRTTG

ClinVar aggregate classification (germline): Uncertain significance (1 of 4 stars; one submission).

Conditions:
Inborn genetic diseases. Identifiers: MedGen C0950123, MeSH D030342.

Submission:

Ambry Genetics
Classification: Uncertain significance for Inborn genetic diseases. Last evaluated: 2025-02-09. Review status: criteria provided, single submitter. Criteria: Ambry Variant Classification Scheme 2023. Collection method: clinical testing. Allele origin: germline.
Comment: The p.R43G variant (also known as c.127C>G), located in coding exon 3 of the RECQL4 gene, results from a C to G substitution at nucleotide position 127. The arginine at codon 43 is replaced by glycine, an amino acid with dissimilar properties. This amino acid position is conserved. In addition, the in silico prediction for this alteration is inconclusive. Based on the available evidence, the clinical significance of this variant remains unclear.